The following is an entry in ClinVar:

ClinVar aggregate classification (germline): Uncertain significance (1 of 4 stars; one submission).

Conditions:
Long QT syndrome (LQTS). Identifiers: MedGen C0023976, MeSH D008133, MONDO:0002442. Disease mechanism: loss of function. Inheritance: Various modes of inheritance.

Submission:

Labcorp Genetics (formerly Invitae), Labcorp
Classification: Uncertain significance for Long QT syndrome. Last evaluated: 2022-03-18. Review status: criteria provided, single submitter. Criteria: Invitae Variant Classification Sherloc (09022015). Collection method: clinical testing. Allele origin: germline.
Comment: This variant has not been reported in the literature in individuals affected with KCNH2-related conditions. In summary, the available evidence is currently insufficient to determine the role of this variant in disease. Therefore, it has been classified as a Variant of Uncertain Significance. Algorithms developed to predict the effect of missense changes on protein structure and function are either unavailable or do not agree on the potential impact of this missense change (SIFT: "Deleterious"; PolyPhen-2: "Probably Damaging"; Align-GVGD: "Class C0"). ClinVar contains an entry for this variant (Variation ID: 1038936). This variant is not present in population databases (gnomAD no frequency). This sequence change replaces proline, which is neutral and non-polar, with arginine, which is basic and polar, at codon 352 of the KCNH2 protein (p.Pro352Arg).

NM_000238.4(KCNH2):c.1055C>G (p.Pro352Arg)

Gene: KCNH2 (potassium voltage-gated channel subfamily H member 2; minus strand). Cytogenetic location: 7q36.1.
Variant type: single nucleotide variant.
Coding change: c.1055C>G on transcript NM_000238.4 (MANE Select); coding-DNA position 1055, C replaced by G.
Protein change: p.Pro352Arg; replaces proline 352 with arginine.
Molecular consequence: missense variant.
Genome position (GRCh38, 1-based): chr7:150,957,364, G>C on the plus strand (C>G on the coding strand, the complement: KCNH2 is on the minus strand). VCF-style: chr7-150957364-G-C. GRCh37 (hg19) VCF-style: chr7-150654452-G-C.
Other names: c.767C>G, p.Pro256Arg (NM_001406753.1, NM_001406756.1); c.878C>G, p.Pro293Arg (NM_001406755.1); c.755C>G, p.Pro252Arg (NM_001406757.1); c.1055C>G, p.Pro352Arg (NM_172056.3); short protein forms P352R, P256R, P252R, P293R.
Identifiers: ClinVar variation 1038936 (VCV001038936.9), dbSNP rs1801408390, ClinGen allele CA369861564.